The following is an entry in ClinVar:

ClinVar aggregate classification (germline): Uncertain significance (1 of 4 stars; one submission).

Conditions:
Inborn genetic diseases. Identifiers: MedGen C0950123, MeSH D030342.

Submission:

Ambry Genetics
Classification: Uncertain significance for Inborn genetic diseases. Last evaluated: 2022-03-20. Review status: criteria provided, single submitter. Criteria: Ambry Variant Classification Scheme 2023. Collection method: clinical testing. Allele origin: germline.
Comment: The p.S409Y variant (also known as c.1226C>A), located in coding exon 11 of the LRRK2 gene, results from a C to A substitution at nucleotide position 1226. The serine at codon 409 is replaced by tyrosine, an amino acid with dissimilar properties. This amino acid position is conserved. In addition, this alteration is predicted to be tolerated by in silico analysis. Since supporting evidence is limited at this time, the clinical significance of this alteration remains unclear.

NM_198578.4(LRRK2):c.1226C>A (p.Ser409Tyr)

Gene: LRRK2 (leucine rich repeat kinase 2; plus strand). Cytogenetic location: 12q12.
Variant type: single nucleotide variant.
Coding change: c.1226C>A on transcript NM_198578.4 (MANE Select); coding-DNA position 1226, C replaced by A.
Protein change: p.Ser409Tyr; replaces serine 409 with tyrosine.
Molecular consequence: missense variant.
Genome position (GRCh38, 1-based): chr12:40,252,954, C>A. VCF-style: chr12-40252954-C-A. GRCh37 (hg19) VCF-style: chr12-40646756-C-A.
Other names: short protein forms S409Y.
Identifiers: ClinVar variation 1754287 (VCV001754287.2), dbSNP rs2499514790, ClinGen allele CA384409374.